The following is an entry in ClinVar:

NM_000203.5(IDUA):c.1070C>T (p.Pro357Leu)

Gene: IDUA (alpha-L-iduronidase; plus strand). Cytogenetic location: 4p16.3.
Variant type: single nucleotide variant.
Coding change: c.1070C>T on transcript NM_000203.5 (MANE Select); coding-DNA position 1070, C replaced by T.
Protein change: p.Pro357Leu; replaces proline 357 with leucine.
Molecular consequence: missense variant. On other transcripts: non-coding transcript variant (1).
Genome position (GRCh38, 1-based): chr4:1,002,366, C>T. VCF-style: chr4-1002366-C-T. GRCh37 (hg19) VCF-style: chr4-996154-C-T.
Other names: NM_000203.5(IDUA):c.1070C>T; p.Pro357Leu; c.674C>T, p.Pro225Leu (NM_001363576.1); short protein forms P225L, P357L.
Identifiers: ClinVar variation 1683228 (VCV001683228.7), dbSNP rs918621189, ClinGen allele CA91169110.
Genomic context (GRCh38, chr4:1,002,366, plus strand): 5'-CCACCTCCGCCTTCCCCTACGCGCTCCTGAGCAACGACAATGCCTTCCTGAGCTACCACC[C>T]GCACCCCTTCGCGCAGCGCACGCTCACCGCGCGCTTCCAGGTCAACAACACCCGCCCGCC-3'
Protein context (NP_000194.2, residues 347-367): SNDNAFLSYH[Pro357Leu]HPFAQRTLTA

ClinVar aggregate classification (germline): Uncertain significance. Review status: reviewed by expert panel (3 of 4 stars). 6 submissions from 6 submitters: Uncertain significance (1). 5 of the submissions do not count toward it. Last evaluated 2026-01-27.

Conditions:
IDUA-related disorder. Also called: IDUA-related condition.
Hurler syndrome. Also called: Gargoylism, Hurler Syndrome; MUCOPOLYSACCHARIDOSIS TYPE IH; Severe MPS I (Hurler Syndrome). Identifiers: Orphanet 93473, MedGen C0086795, MONDO:0011758, OMIM 607014.
Mucopolysaccharidosis type 1. Also called: IDUA deficiency; MPS I; Mucopolysaccharidosis Type I. Identifiers: Orphanet 579, MedGen C0023786, MONDO:0001586.

Allele frequency attached by ClinVar (database versions not stated): gnomAD exomes below 0.00001; TOPMed below 0.00001; gnomAD 0.00001.
gnomAD v4.1: 6 of 1,612,420 alleles (0.00037%); highest among the groups gnomAD compares: Non-Finnish European, 0.00051%; no homozygotes.

Submissions (6):

ClinGen Lysosomal Storage Disorder Variant Curation Expert Panel
Classification: Uncertain significance for Mucopolysaccharidosis type 1. Last evaluated: 2026-01-27. Review status: reviewed by expert panel. Criteria: ClinGen LSD ACMG Specifications IDUA V1.2.0. Collection method: curation. Allele origin: germline. Inheritance: Autosomal recessive inheritance.
Comment: NM_000203.5(IDUA):c.1070C>T variant in IDUA is a missense variant in Exon 8, where Proline (Pro, P) is replaced by Leucine (Leu, L) at location 357, p(Pro357Leu). The variant has been detected in at least two probands with MPS1 (PMID: 35787971). This individual is compound heterozygous for this variant and a second variant that has been classified as pathogenic by the ClinGen Lysosomal Diseases VCEP, c.208C>T (p.Gln70Ter) (PMID: 35787971) (phase unknown, 0.5 point) (PM3_Supporting). The highest population minor allele frequency in gnomAD v4.10. is 0.000005 (6/1179538 alleles) in the Non-Finnish European population, which is lower than the ClinGen Lysosomal Diseases VCEP’s threshold for PM2_Supporting (<0.00025), meeting this criterion (PM2_Supporting). The computational predictor REVEL gives a score of 0.874, which is above the threshold of 0.773, providing evidence that correlates with impact on IDUA function at the moderate level, based on the specifications of the ClinGen Lysosomal Diseases VCEP (PMID: 36413997) (PP3_Moderate). There is a ClinVar entry for this variant (Variation ID: 1683228). In summary, this variant meets the criteria to be classified as a Variant of Uncertain Significance for MPS I based on the IDUA-specific ACMG/AMP criteria applied, as specified by the ClinGen Lysosomal Diseases Variant Curation Expert Panel (Specifications Version 1.2.0): PP3_Moderate, PM2_Supporting, PM3_Supporting (Classification approved by the ClinGen Lysosomal Diseases Variant Curation Expert Panel on January 27, 2026)

OLLIN Analises Genomicas, OLLIN
Classification: Uncertain significance for Hurler syndrome. Last evaluated: 2026-08-06. Review status: criteria provided, single submitter. Criteria: ACMG Guidelines 2015 PMID 25741868. Collection method: clinical testing. Allele origin: germline. Inheritance: Autosomal recessive inheritance. Not counted in ClinVar's aggregate classification.
Comment: This missense variant, located in exon 8 (of 14), has been reported in ClinVar (accession VCV001683228.6) and in gnomAD with an allele frequency of 0.00037%. However, to our knowledge, it has not been reported in the scientific literature. In silico analysis predicts that this variant has a deleterious effect. According to the currently available evidence, this variant has been classified as uncertain significance (PM2_P, PP3).

PreventionGenetics, part of Exact Sciences
Classification: Uncertain significance for IDUA-related condition. Last evaluated: 2026-02-11. Review status: criteria provided, single submitter. Criteria: ACMG Guidelines, 2015. Collection method: clinical testing. Allele origin: germline. Not counted in ClinVar's aggregate classification.
Comment: The IDUA c.1070C>T variant is predicted to result in the amino acid substitution p.Pro357Leu. This variant has been reported along with second pathogenic loss-of-function variant in an individual with attenuated form of Mucopolysaccharidosis I (MPSI) (Table 3, Zhang et al. 2022. PubMed ID: 35787971). This variant is reported in 0.00090% of alleles in individuals of European (Non-Finnish) descent in gnomAD. Although we suspect that this variant may be pathogenic, at this time, the clinical significance of this variant is uncertain due to the absence of conclusive functional and genetic evidence.

Labcorp Genetics (formerly Invitae), Labcorp
Classification: Uncertain significance for Mucopolysaccharidosis type 1. Last evaluated: 2022-07-12. Review status: criteria provided, single submitter. Criteria: Invitae Variant Classification Sherloc (09022015). Collection method: clinical testing. Allele origin: germline. Not counted in ClinVar's aggregate classification.
Comment: This sequence change replaces proline, which is neutral and non-polar, with leucine, which is neutral and non-polar, at codon 357 of the IDUA protein (p.Pro357Leu). The frequency data for this variant in the population databases is considered unreliable, as metrics indicate poor data quality at this position in the gnomAD database. This variant has not been reported in the literature in individuals affected with IDUA-related conditions. ClinVar contains an entry for this variant (Variation ID: 1683228). Advanced modeling of protein sequence and biophysical properties (such as structural, functional, and spatial information, amino acid conservation, physicochemical variation, residue mobility, and thermodynamic stability) performed at Invitae indicates that this missense variant is expected to disrupt IDUA protein function. In summary, the available evidence is currently insufficient to determine the role of this variant in disease. Therefore, it has been classified as a Variant of Uncertain Significance.

Women's Health and Genetics/Laboratory Corporation of America, LabCorp
Classification: Uncertain significance. Last evaluated: 2022-04-11. Review status: criteria provided, single submitter. Criteria: LabCorp Variant Classification Summary - May 2015. Collection method: clinical testing. Allele origin: germline. Not counted in ClinVar's aggregate classification.
Comment: Variant summary: IDUA c.1070C>T (p.Pro357Leu) results in a non-conservative amino acid change in the encoded protein sequence. Five of five in-silico tools predict a damaging effect of the variant on protein function. The variant allele was found at a frequency of 4.1e-06 in 246132 control chromosomes. The available data on variant occurrences in the general population are insufficient to allow any conclusion about variant significance. To our knowledge, no occurrence of c.1070C>T in individuals affected with Mucopolysaccharidosis Type 1 and no experimental evidence demonstrating its impact on protein function have been reported. No clinical diagnostic laboratories have submitted clinical-significance assessments for this variant to ClinVar after 2014. Based on the evidence outlined above, the variant was classified as uncertain significance.

Revvity Omics, Revvity
Classification: Uncertain significance. Last evaluated: 2021-10-14. Review status: criteria provided, single submitter. Criteria: ACMG Guidelines, 2015. Collection method: clinical testing. Allele origin: germline. Not counted in ClinVar's aggregate classification.